The following is an entry in ClinVar:

NM_001626.6(AKT2):c.282C>T (p.Asp94=)

Gene: AKT2 (AKT serine/threonine kinase 2; minus strand). Cytogenetic location: 19q13.2.
Variant type: single nucleotide variant.
Coding change: c.282C>T on transcript NM_001626.6 (MANE Select); coding-DNA position 282, C replaced by T.
Protein change: p.Asp94=; no amino-acid change (aspartic acid 94 retained).
Molecular consequence: synonymous variant.
Genome position (GRCh38, 1-based): chr19:40,255,163, G>A on the plus strand (C>T on the coding strand, the complement: AKT2 is on the minus strand). VCF-style: chr19-40255163-G-A. GRCh37 (hg19) VCF-style: chr19-40761070-G-A.
Other names: c.282C>T, p.Asp94= (LRG_1391t1, NM_001330511.1); c.96C>T, p.Asp32= (NM_001243027.3, NM_001243028.3).
Identifiers: ClinVar variation 466266 (VCV000466266.15), dbSNP rs139125633, ClinGen allele CA9441939.

ClinVar aggregate classification (germline): Likely benign. Review status: criteria provided, multiple submitters, no conflicts (2 of 4 stars). 5 submissions from 5 submitters: Likely benign (5). Last evaluated 2025-10-14.

Conditions:
AKT2-related disorder. Also called: AKT2-related condition.
Hypoinsulinemic hypoglycemia and body hemihypertrophy. Also called: Hypoinsulinemic hypoglycemia and hemihypertrophy. Identifiers: Orphanet 293964, MedGen C3278384, MONDO:0009416, OMIM 240900.
Type 2 diabetes mellitus. Also called: Type II diabetes mellitus. Identifiers: MedGen C0011860, MeSH D003924, MONDO:0005148, OMIM 125853, HP:0005978.

Allele frequency attached by ClinVar (database versions not stated): 1000 Genomes Project 30x 0.00016; 1000 Genomes Project 0.00020; gnomAD 0.00051 and 0.00058; TOPMed 0.00053; ExAC 0.00059; ESP Exome Variant Server 0.00077; gnomAD exomes 0.00083.
gnomAD v4.1: 1,075 of 1,613,134 alleles (0.067%); highest among the groups gnomAD compares: East Asian, 0.82%; 6 homozygotes.

Submissions (5):

Labcorp Genetics (formerly Invitae), Labcorp
Classification: Likely benign for Hypoinsulinemic hypoglycemia and body hemihypertrophy; Type 2 diabetes mellitus. Last evaluated: 2025-10-14. Review status: criteria provided, single submitter. Criteria: Invitae Variant Classification Sherloc (09022015). Collection method: clinical testing. Allele origin: germline.

PreventionGenetics, part of Exact Sciences
Classification: Likely benign for AKT2-related condition. Last evaluated: 2025-02-18. Review status: criteria provided, single submitter. Criteria: ACMG Guidelines, 2015. Collection method: clinical testing. Allele origin: germline.
Comment: This variant is classified as likely benign based on ACMG/AMP sequence variant interpretation guidelines (Richards et al. 2015 PMID: 25741868, with internal and published modifications).

Blueprint Genetics
Classification: Likely benign. Last evaluated: 2024-09-30. Review status: criteria provided, single submitter. Criteria: ACMG Guidelines, 2015. Collection method: clinical testing. Allele origin: germline.

Fulgent Genetics
Classification: Likely benign for Type 2 diabetes mellitus; Hypoinsulinemic hypoglycemia and body hemihypertrophy. Last evaluated: 2021-08-16. Review status: criteria provided, single submitter. Criteria: ACMG Guidelines, 2015. Collection method: clinical testing. Allele origin: unknown.

Breakthrough Genomics
Classification: Likely benign. Review status: criteria provided, single submitter. Criteria: ACMG Guidelines, 2015. Collection method: not provided. Allele origin: germline. Inheritance: Autosomal dominant inheritance. Affected: yes.